The following is an entry in ClinVar:

ClinVar aggregate classification (germline): Uncertain significance. Review status: criteria provided, multiple submitters, no conflicts (2 of 4 stars). 2 submissions from 2 submitters: Uncertain significance (2). Last evaluated 2025-04-24.

Conditions:
Hereditary pancreatitis (PCTT). Also called: Hereditary chronic pancreatitis; PRSS1-Related Hereditary Pancreatitis. Identifiers: Orphanet 676, MedGen C0238339, MONDO:0008185, OMIM 167800.

gnomAD v4.1: 12 of 1,614,018 alleles (0.00074%); highest among the groups gnomAD compares: Non-Finnish European, 0.00093%; no homozygotes.

Submissions (2):

Women's Health and Genetics/Laboratory Corporation of America, LabCorp
Classification: Uncertain significance. Last evaluated: 2025-04-24. Review status: criteria provided, single submitter. Criteria: LabCorp Variant Classification Summary - May 2015. Collection method: clinical testing. Allele origin: germline.
Comment: Variant summary: PRSS1 c.201-7C>A alters a nucleotide located at a position not widely known to affect splicing. Several computational tools predict a significant impact on normal splicing: Two predict the variant abolishes a 3' acceptor site. One predict the variant weakens a 3' acceptor site. One predict the variant abolishes a cryptic 3' acceptor site. However, these predictions have yet to be confirmed by functional studies. The variant allele was found at a frequency of 8e-06 in 251482 control chromosomes. The available data on variant occurrences in the general population are insufficient to allow any conclusion about variant significance. To our knowledge, no occurrence of c.201-7C>A in individuals affected with Chronic Pancreatitis Risk and no experimental evidence demonstrating its impact on protein function have been reported. ClinVar contains an entry for this variant (Variation ID: 3605316). Based on the evidence outlined above, the variant was classified as uncertain significance.

Labcorp Genetics (formerly Invitae), Labcorp
Classification: Uncertain significance for Hereditary pancreatitis. Last evaluated: 2024-12-31. Review status: criteria provided, single submitter. Criteria: Invitae Variant Classification Sherloc (09022015). Collection method: clinical testing. Allele origin: germline.
Comment: This sequence change falls in intron 2 of the PRSS1 gene. It does not directly change the encoded amino acid sequence of the PRSS1 protein. The frequency data for this variant in the population databases is considered unreliable, as metrics indicate poor data quality at this position in the gnomAD database. This variant has not been reported in the literature in individuals affected with PRSS1-related conditions. Algorithms developed to predict the effect of sequence changes on RNA splicing suggest that this variant may disrupt the consensus splice site. In summary, the available evidence is currently insufficient to determine the role of this variant in disease. Therefore, it has been classified as a Variant of Uncertain Significance.

NM_002769.5(PRSS1):c.201-7C>A

Genes: PRSS1 (serine protease 1; plus strand), TRB (T cell receptor beta locus; plus strand). Cytogenetic location: 7q34.
Variant type: single nucleotide variant.
Coding change: c.201-7C>A on transcript NM_002769.5 (MANE Select); 7 bases into the intron before coding-DNA position 201, C replaced by A.
Molecular consequence: intron variant.
Genome position (GRCh38, 1-based): chr7:142,751,767, C>A. VCF-style: chr7-142751767-C-A. GRCh37 (hg19) VCF-style: chr7-142459618-C-A.
Identifiers: ClinVar variation 3605316 (VCV003605316.4).